The following is an entry in ClinVar:

NM_001146213.3(TBC1D15):c.823C>T (p.Gln275Ter)

Gene: TBC1D15 (TBC1 domain family member 15; plus strand). Cytogenetic location: 12q21.1.
Variant type: single nucleotide variant.
Coding change: c.823C>T on transcript NM_001146213.3 (MANE Select); coding-DNA position 823, C replaced by T.
Protein change: p.Gln275Ter; replaces glutamine 275 with a stop codon.
Molecular consequence: nonsense. On other transcripts: non-coding transcript variant (25).
Genome position (GRCh38, 1-based): chr12:71,894,851, C>T. VCF-style: chr12-71894851-C-T. GRCh37 (hg19) VCF-style: chr12-72288631-C-T.
Other names: c.649C>T, p.Gln217Ter (NM_001385854.1); c.874C>T, p.Gln292Ter (NM_022771.6); c.526C>T, p.Gln176Ter (NM_001146214.3); c.823C>T, p.Gln275Ter (NM_001385848.1, NM_001385849.1, NM_001385850.1 and 2 more transcripts); c.748C>T, p.Gln250Ter (NM_001385852.1); short protein forms Q176*, Q217*, Q250*, Q275*, Q292*.
Identifiers: ClinVar variation 4279808 (VCV004279808.1).

ClinVar aggregate classification (germline): Uncertain significance (1 of 4 stars; one submission).

gnomAD v4.1: 1 of 1,612,646 alleles (0.000062%); highest among the groups gnomAD compares: Non-Finnish European, 0.000085%; no homozygotes.

Submission:

Clinical Genomics Laboratory, Washington University in St. Louis
Classification: Uncertain significance. Last evaluated: 2025-06-05. Review status: criteria provided, single submitter. Criteria: ACMG Guidelines, 2015. Collection method: clinical testing. Allele origin: germline.
Comment: The TBC1D15 c.823C>T (p.Gln275*) variant, to our knowledge, has not been reported in the medical literature. This variant is only observed in 1/1,612,646 alleles in the general population (gnomAD v4.1.0), indicating it is not a common variant. This variant causes a premature termination codon, which is predicted to lead to nonsense mediated decay. Due to limited information, the clinical significance of this variant is uncertain.